The following is an entry in ClinVar:

NM_006231.4(POLE):c.3976A>C (p.Ile1326Leu)

Gene: POLE (DNA polymerase epsilon, catalytic subunit; minus strand). Cytogenetic location: 12q24.33.
Variant type: single nucleotide variant.
Coding change: c.3976A>C on transcript NM_006231.4 (MANE Select); coding-DNA position 3976, A replaced by C.
Protein change: p.Ile1326Leu; replaces isoleucine 1326 with leucine.
Molecular consequence: missense variant.
Genome position (GRCh38, 1-based): chr12:132,649,335, T>G on the plus strand (A>C on the coding strand, the complement: POLE is on the minus strand). VCF-style: chr12-132649335-T-G. GRCh37 (hg19) VCF-style: chr12-133225921-T-G.
Other names: short protein forms I1326L.
Identifiers: ClinVar variation 2771989 (VCV002771989.3), dbSNP rs557996561, ClinGen allele CA387384756.

ClinVar aggregate classification (germline): Uncertain significance (1 of 4 stars; one submission).

Submission:

Labcorp Genetics (formerly Invitae), Labcorp
Classification: Uncertain significance. Last evaluated: 2023-10-27. Review status: criteria provided, single submitter. Criteria: Invitae Variant Classification Sherloc (09022015). Collection method: clinical testing. Allele origin: germline.
Comment: This sequence change replaces isoleucine, which is neutral and non-polar, with leucine, which is neutral and non-polar, at codon 1326 of the POLE protein (p.Ile1326Leu). This variant is not present in population databases (gnomAD no frequency). This variant has not been reported in the literature in individuals affected with POLE-related conditions. Advanced modeling of protein sequence and biophysical properties (such as structural, functional, and spatial information, amino acid conservation, physicochemical variation, residue mobility, and thermodynamic stability) performed at Invitae indicates that this missense variant is not expected to disrupt POLE protein function with a negative predictive value of 80%. In summary, the available evidence is currently insufficient to determine the role of this variant in disease. Therefore, it has been classified as a Variant of Uncertain Significance.